The following is an entry in ClinVar:

NM_000350.3(ABCA4):c.656G>C (p.Arg219Thr)

Gene: ABCA4 (ATP binding cassette subfamily A member 4; minus strand). Cytogenetic location: 1p22.1.
Variant type: single nucleotide variant.
Coding change: c.656G>C on transcript NM_000350.3 (MANE Select); coding-DNA position 656, G replaced by C.
Protein change: p.Arg219Thr; replaces arginine 219 with threonine.
Molecular consequence: missense variant.
Genome position (GRCh38, 1-based): chr1:94,098,906, C>G on the plus strand (G>C on the coding strand, the complement: ABCA4 is on the minus strand). VCF-style: chr1-94098906-C-G. GRCh37 (hg19) VCF-style: chr1-94564462-C-G.
Other names: c.656G>C, p.Arg219Thr (NM_001425324.1); short protein forms R219T.
Identifiers: ClinVar variation 99470 (VCV000099470.56), dbSNP rs61748537, ClinGen allele CA227418.
Genomic context (GRCh38, chr1:94,098,906, plus strand): 5'-CACTGTAGGGTGCCCTGGGAGAGGGAGCACAGGGCATAGCGCACCGTCTTTGCCCCGCGT[C>G]TCTGGCTGAAGATGATGAAGCGCTCCAGGAGGGCCTCGCTGCAGGCGATGTCCTTCAGCG-3'
Protein context (NP_000341.2, residues 209-229): LLERFIIFSQ[Arg219Thr]RGAKTVRYAL

ClinVar aggregate classification (germline): Conflicting classifications of pathogenicity. Review status: criteria provided, conflicting classifications (1 of 4 stars). 8 submissions from 8 submitters: Pathogenic (1); Uncertain significance (4). 3 of the submissions do not count toward it. Last evaluated 2025-03-17.

Conditions:
Retinal dystrophy. Also called: Inherited retinal dystrophy. Identifiers: Orphanet 71862, MedGen C0854723, MeSH D058499, MONDO:0019118, HP:0000556.

Allele frequency attached by ClinVar (database versions not stated): ExAC 0.00004; gnomAD 0.00002; TOPMed 0.00003.
gnomAD v4.1: 36 of 1,613,858 alleles (0.0022%); highest among the groups gnomAD compares: Non-Finnish European, 0.0031%; no homozygotes.

Submissions (8):

Labcorp Genetics (formerly Invitae), Labcorp
Classification: Uncertain significance. Last evaluated: 2025-03-17. Review status: criteria provided, single submitter. Criteria: Invitae Variant Classification Sherloc (09022015). Collection method: clinical testing. Allele origin: germline.
Comment: This sequence change replaces arginine, which is basic and polar, with threonine, which is neutral and polar, at codon 219 of the ABCA4 protein (p.Arg219Thr). This variant is present in population databases (rs61748537, gnomAD 0.009%). This missense change has been observed in individual(s) with clinical features of ABCA4-related conditions (PMID: 19243736, 25444351, 26720470, 28118664, 29555955, 35120629). ClinVar contains an entry for this variant (Variation ID: 99470). Invitae Evidence Modeling of protein sequence and biophysical properties (such as structural, functional, and spatial information, amino acid conservation, physicochemical variation, residue mobility, and thermodynamic stability) has been performed for this missense variant. However, the output from this modeling did not meet the statistical confidence thresholds required to predict the impact of this variant on ABCA4 protein function. In summary, the available evidence is currently insufficient to determine the role of this variant in disease. Therefore, it has been classified as a Variant of Uncertain Significance.

Blueprint Genetics
Classification: Uncertain significance. Last evaluated: 2024-06-28. Review status: criteria provided, single submitter. Criteria: ACMG Guidelines, 2015. Collection method: clinical testing. Allele origin: germline.

Institute of Human Genetics, Univ. Regensburg, Univ. Regensburg
Classification: Pathogenic for Retinal dystrophy. Last evaluated: 2023-01-01. Review status: criteria provided, single submitter. Criteria: ACMG Guidelines, 2015. Collection method: clinical testing. Allele origin: germline. Affected: yes.

GeneDx
Classification: Uncertain significance. Last evaluated: 2022-09-12. Review status: criteria provided, single submitter. Criteria: GeneDx Variant Classification Process June 2021. Collection method: clinical testing. Allele origin: germline. Affected: yes.
Comment: In silico analysis, which includes protein predictors and evolutionary conservation, supports that this variant does not alter protein structure/function; This variant is associated with the following publications: (PMID: 19243736, 25444351, 26720470, 14517951, 17982420, 20398653, 25681002, 23953153, 20029649, 29555955, 28118664, 29925512, 33706644)

CeGaT Center for Human Genetics Tuebingen
Classification: Uncertain significance. Last evaluated: 2017-06-01. Review status: criteria provided, single submitter. Criteria: CeGaT Center For Human Genetics Tuebingen Variant Classification Criteria Version 2. Collection method: clinical testing. Allele origin: germline. Affected: yes. Observed: 1 variant allele.

Clinical Genetics DNA and cytogenetics Diagnostics Lab, Erasmus MC, Erasmus Medical Center
Classification: Uncertain significance. Review status: no assertion criteria provided. Collection method: clinical testing. Allele origin: germline. Affected: yes. Study: VKGL Data-share Consensus. Not counted in ClinVar's aggregate classification.

Clinical Genetics, Academic Medical Center
Classification: Uncertain significance. Review status: no assertion criteria provided. Collection method: clinical testing. Allele origin: germline. Affected: yes. Study: VKGL Data-share Consensus. Not counted in ClinVar's aggregate classification.

Retina International
No classification provided. Review status: no classification provided. Collection method: not provided. Allele origin: not provided. Not counted in ClinVar's aggregate classification.

Literature cited by the submitters: PubMed 19243736 (cited by Labcorp Genetics (formerly Invitae), Labcorp); PubMed 25444351 (cited by Labcorp Genetics (formerly Invitae), Labcorp); PubMed 26720470 (cited by Labcorp Genetics (formerly Invitae), Labcorp and Institute of Human Genetics, Univ. Regensburg, Univ. Regensburg); PubMed 28118664 (cited by Labcorp Genetics (formerly Invitae), Labcorp and Institute of Human Genetics, Univ. Regensburg, Univ. Regensburg); PubMed 29555955 (cited by Labcorp Genetics (formerly Invitae), Labcorp and Institute of Human Genetics, Univ. Regensburg, Univ. Regensburg); PubMed 35120629 (cited by Labcorp Genetics (formerly Invitae), Labcorp); PubMed 14517951 (cited by Institute of Human Genetics, Univ. Regensburg, Univ. Regensburg); PubMed 29925512 (cited by Institute of Human Genetics, Univ. Regensburg, Univ. Regensburg); PubMed 31964843 (cited by Institute of Human Genetics, Univ. Regensburg, Univ. Regensburg); PubMed 32307445 (cited by Institute of Human Genetics, Univ. Regensburg, Univ. Regensburg); PubMed 31816670 (cited by Institute of Human Genetics, Univ. Regensburg, Univ. Regensburg); PubMed 33706644 (cited by Institute of Human Genetics, Univ. Regensburg, Univ. Regensburg).